The following is an entry in ClinVar:

NM_004252.5(NHERF1):c.67G>C (p.Gly23Arg)

Genes: NHERF1 (NHERF family PDZ scaffold protein 1; plus strand), SLC9A3R1-AS1 (SLC9A3R1 antisense RNA 1; minus strand). Cytogenetic location: 17q25.1.
Variant type: single nucleotide variant.
Coding change: c.67G>C on transcript NM_004252.5 (MANE Select); coding-DNA position 67, G replaced by C.
Protein change: p.Gly23Arg; replaces glycine 23 with arginine.
Molecular consequence: missense variant. On other transcripts: non-coding transcript variant (1).
Genome position (GRCh38, 1-based): chr17:74,748,913, G>C. VCF-style: chr17-74748913-G-C. GRCh37 (hg19) VCF-style: chr17-72745052-G-C.
Other names: c.67G>C (NM_004252.3); short protein forms G23R.
Identifiers: ClinVar variation 3694680 (VCV003694680.3).
Genomic context (GRCh38, chr17:74,748,913, plus strand): 5'-GCGGACGCAGCGGCCGGGGCGCCCCTGCCCCGGCTCTGCTGCCTGGAGAAGGGTCCGAAC[G>C]GCTACGGCTTCCACCTGCACGGGGAGAAGGGCAAGTTGGGCCAGTACATCCGGCTGGTGG-3'
Protein context (NP_004243.1, residues 13-33): RLCCLEKGPN[Gly23Arg]YGFHLHGEKG

ClinVar aggregate classification (germline): Uncertain significance. Review status: criteria provided, multiple submitters, no conflicts (2 of 4 stars). 2 submissions from 2 submitters: Uncertain significance (2). Last evaluated 2025-03-18.

Conditions:
Inborn genetic diseases. Identifiers: MedGen C0950123, MeSH D030342.

gnomAD v4.1: 7 of 1,601,080 alleles (0.00044%); highest among the groups gnomAD compares: African/African-American, 0.0013%; no homozygotes.

Submissions (2):

Ambry Genetics
Classification: Uncertain significance for Inborn genetic diseases. Last evaluated: 2025-03-18. Review status: criteria provided, single submitter. Criteria: Ambry Variant Classification Scheme 2023. Collection method: clinical testing. Allele origin: germline.

Labcorp Genetics (formerly Invitae), Labcorp
Classification: Uncertain significance. Last evaluated: 2024-12-30. Review status: criteria provided, single submitter. Criteria: Invitae Variant Classification Sherloc (09022015). Collection method: clinical testing. Allele origin: germline.
Comment: This sequence change replaces glycine, which is neutral and non-polar, with arginine, which is basic and polar, at codon 23 of the SLC9A3R1 protein (p.Gly23Arg). This variant is present in population databases (no rsID available, gnomAD 0.005%). This variant has not been reported in the literature in individuals affected with SLC9A3R1-related conditions. An algorithm developed to predict the effect of missense changes on protein structure and function (PolyPhen-2) suggests that this variant is likely to be disruptive. In summary, the available evidence is currently insufficient to determine the role of this variant in disease. Therefore, it has been classified as a Variant of Uncertain Significance.